The following is an entry in ClinVar:

ClinVar aggregate classification (germline): Uncertain significance. Review status: criteria provided, multiple submitters, no conflicts (2 of 4 stars). 2 submissions from 2 submitters: Uncertain significance (2). Last evaluated 2025-05-28.

Conditions:
Inborn genetic diseases. Identifiers: MedGen C0950123, MeSH D030342.
Arthrogryposis, distal, type 1A. Also called: ARTHROGRYPOSIS MULTIPLEX CONGENITA, DISTAL, TYPE I. Identifiers: Orphanet 1146, MedGen C6022280, MONDO:0007157, OMIM 108120.

Allele frequency attached by ClinVar (database versions not stated): gnomAD exomes below 0.00001 and 0.00001.
gnomAD v4.1: 3 of 1,614,180 alleles (0.00019%); highest among the groups gnomAD compares: Non-Finnish European, 0.00025%; no homozygotes.

Submissions (2):

Ambry Genetics
Classification: Uncertain significance for Inborn genetic diseases. Last evaluated: 2025-05-28. Review status: criteria provided, single submitter. Criteria: Ambry Variant Classification Scheme 2023. Collection method: clinical testing. Allele origin: germline.

Labcorp Genetics (formerly Invitae), Labcorp
Classification: Uncertain significance for Arthrogryposis, distal, type 1A. Last evaluated: 2024-05-29. Review status: criteria provided, single submitter. Criteria: Invitae Variant Classification Sherloc (09022015). Collection method: clinical testing. Allele origin: germline.
Comment: This sequence change replaces isoleucine, which is neutral and non-polar, with valine, which is neutral and non-polar, at codon 253 of the TPM2 protein (p.Ile253Val). This variant is present in population databases (no rsID available, gnomAD 0.0009%). This variant has not been reported in the literature in individuals affected with TPM2-related conditions. ClinVar contains an entry for this variant (Variation ID: 1006848). Advanced modeling of protein sequence and biophysical properties (such as structural, functional, and spatial information, amino acid conservation, physicochemical variation, residue mobility, and thermodynamic stability) performed at Invitae indicates that this missense variant is not expected to disrupt TPM2 protein function with a negative predictive value of 80%. In summary, the available evidence is currently insufficient to determine the role of this variant in disease. Therefore, it has been classified as a Variant of Uncertain Significance.

NM_003289.4(TPM2):c.757A>G (p.Ile253Val)

Gene: TPM2 (tropomyosin 2; minus strand). Cytogenetic location: 9p13.3.
Variant type: single nucleotide variant.
Coding change: c.757A>G on transcript NM_003289.4 (MANE Select); coding-DNA position 757, A replaced by G.
Protein change: p.Ile253Val; replaces isoleucine 253 with valine.
Molecular consequence: missense variant.
Genome position (GRCh38, 1-based): chr9:35,684,261, T>C on the plus strand (A>G on the coding strand, the complement: TPM2 is on the minus strand). VCF-style: chr9-35684261-T-C. GRCh37 (hg19) VCF-style: chr9-35684258-T-C.
Other names: c.757A>G, p.Ile253Val (NM_001301226.2, NM_001301227.2, NM_213674.1); c.757A>G (NM_003289.3); short protein forms I253V.
Identifiers: ClinVar variation 1006848 (VCV001006848.9), dbSNP rs1476739780, ClinGen allele CA373363851.
Genomic context (GRCh38, chr9:35,684,261, plus strand): 5'-GATAATCACGGCAGGTGTGGACCTACTTATAAAGGCTTCTTTTACCTTCTAGGTCATCGA[T>C]GGTTTTCTCCAACTTTGCCACAGACCTCTCGGCAAACTCTGCTCGGGTCTCAGCCTGGGG-3'
Protein context (NP_003280.2, residues 243-263): ERSVAKLEKT[Ile253Val]DDLEDEVYAQ